The following is an entry in ClinVar:

NM_001277115.2(DNAH11):c.6506C>T (p.Ser2169Leu)

Gene: DNAH11 (dynein axonemal heavy chain 11; plus strand). Cytogenetic location: 7p15.3.
Variant type: single nucleotide variant.
Coding change: c.6506C>T on transcript NM_001277115.2 (MANE Select); coding-DNA position 6506, C replaced by T.
Protein change: p.Ser2169Leu; replaces serine 2169 with leucine.
Molecular consequence: missense variant.
Genome position (GRCh38, 1-based): chr7:21,705,497, C>T. VCF-style: chr7-21705497-C-T. GRCh37 (hg19) VCF-style: chr7-21745115-C-T.
Other names: short protein forms S2169L.
Identifiers: ClinVar variation 658037 (VCV000658037.20), dbSNP rs373946181, ClinGen allele CA4180849.

ClinVar aggregate classification (germline): Conflicting classifications of pathogenicity. Review status: criteria provided, conflicting classifications (1 of 4 stars). 7 submissions from 7 submitters: Pathogenic (1); Likely pathogenic (4); Uncertain significance (1). 1 of the submissions does not count toward it. Last evaluated 2025-10-03.

Conditions:
Primary ciliary dyskinesia. Also called: Ciliary dyskinesia. Identifiers: Orphanet 244, MedGen C0008780, MONDO:0016575, HP:0012265.
Primary ciliary dyskinesia 7. Also called: CILIARY DYSKINESIA, PRIMARY, 7, WITH OR WITHOUT SITUS INVERSUS. Identifiers: Orphanet 244, MedGen C2678473, MONDO:0012748, OMIM 611884.

Allele frequency attached by ClinVar (database versions not stated): ExAC 0.00010; TOPMed 0.00011; 1000 Genomes Project 30x 0.00016; gnomAD 0.00016; 1000 Genomes Project 0.00020; gnomAD exomes 0.00007; ESP Exome Variant Server 0.00008.
gnomAD v4.1: 68 of 1,613,622 alleles (0.0042%); highest among the groups gnomAD compares: African/African-American, 0.057%; no homozygotes.

Submissions (7):

Ambry Genetics
Classification: Likely pathogenic for Primary ciliary dyskinesia. Last evaluated: 2025-10-03. Review status: criteria provided, single submitter. Criteria: Ambry Variant Classification Scheme 2023. Collection method: clinical testing. Allele origin: germline.
Comment: The c.6506C>T (p.S2169L) alteration is located in exon 39 (coding exon 39) of the DNAH11 gene. This alteration results from a C to T substitution at nucleotide position 6506, causing the serine (S) at amino acid position 2169 to be replaced by a leucine (L). Based on data from gnomAD, the T allele has an overall frequency of 0.007% (20/280454) total alleles studied. The highest observed frequency was 0.058% (14/24194) of African alleles. This variant has been identified in the homozygous state and/or in conjunction with other DNAH11 variant(s) in individual(s) with features consistent with primary ciliary dyskinesia (Shoemark, 2018; Ambry internal data; external communication). This amino acid position is well conserved in available vertebrate species. This alteration is predicted to be tolerated by in silico analysis. Based on the available evidence, this alteration is classified as likely pathogenic.

Department of Genetics, Sultan Qaboos University Hospital
Classification: Likely pathogenic for Primary ciliary dyskinesia. Last evaluated: 2025-08-15. Review status: criteria provided, single submitter. Criteria: ACMG Guidelines, 2015. Collection method: research. Allele origin: germline. Affected: yes.

Labcorp Genetics (formerly Invitae), Labcorp
Classification: Pathogenic for Primary ciliary dyskinesia. Last evaluated: 2025-05-01. Review status: criteria provided, single submitter. Criteria: Invitae Variant Classification Sherloc (09022015). Collection method: clinical testing. Allele origin: germline.
Comment: This sequence change replaces serine, which is neutral and polar, with leucine, which is neutral and non-polar, at codon 2169 of the DNAH11 protein (p.Ser2169Leu). This variant is present in population databases (rs373946181, gnomAD 0.06%). This missense change has been observed in individual(s) with clinical features of primary ciliary dyskinesia (PMID: 29467202; internal data). ClinVar contains an entry for this variant (Variation ID: 658037). Invitae Evidence Modeling of protein sequence and biophysical properties (such as structural, functional, and spatial information, amino acid conservation, physicochemical variation, residue mobility, and thermodynamic stability) has been performed for this missense variant. However, the output from this modeling did not meet the statistical confidence thresholds required to predict the impact of this variant on DNAH11 protein function. For these reasons, this variant has been classified as Pathogenic.

Women's Health and Genetics/Laboratory Corporation of America, LabCorp
Classification: Likely pathogenic for Primary ciliary dyskinesia 7. Last evaluated: 2025-04-09. Review status: criteria provided, single submitter. Criteria: LabCorp Variant Classification Summary - May 2015. Collection method: clinical testing. Allele origin: germline.
Comment: Variant summary: DNAH11 c.6506C>T (p.Ser2169Leu) results in a non-conservative amino acid change in the encoded protein sequence. Three of four in-silico tools predict a damaging effect of the variant on protein function. The variant allele was found at a frequency of 6.8e-05 in 249062 control chromosomes. This frequency is not significantly higher than estimated for a pathogenic variant in DNAH11 causing Primary Ciliary Dyskinesia 7, allowing no conclusion about variant significance. c.6506C>T has been reported in the homozygous and presumed compound heterozygous state in the literature and at Labcorp in multiple individuals affected with Primary Ciliary Dyskinesia 7 (e.g., Shoemark_2018, internal data). A further affected individual with primary ciliary dyskinesia with a biallelic genotype has been reported by another laboratory, however the details of that case were not available (Ambry Genetics, ClinVar). These data indicate that the variant may be associated with disease. To our knowledge, no experimental evidence demonstrating an impact on protein function has been reported. The following publication has been ascertained in the context of this evaluation (PMID: 29467202). ClinVar contains an entry for this variant (Variation ID: 658037). Based on the evidence outlined above, the variant was classified as likely pathogenic.

Blueprint Genetics
Classification: Uncertain significance. Last evaluated: 2024-08-23. Review status: criteria provided, single submitter. Criteria: ACMG Guidelines, 2015. Collection method: clinical testing. Allele origin: germline.

Fulgent Genetics
Classification: Likely pathogenic for Primary ciliary dyskinesia 7. Last evaluated: 2024-04-15. Review status: criteria provided, single submitter. Criteria: ACMG Guidelines, 2015. Collection method: clinical testing. Allele origin: germline.

UNC Molecular Genetics  Laboratory, University of North Carolina at Chapel Hill
Classification: Uncertain significance for Primary ciliary dyskinesia. Last evaluated: 2018-12-13. Review status: flagged submission. Criteria: ACMG Guidelines, 2015. Collection method: clinical testing. Allele origin: germline. Affected: yes. Observed: 1 heterozygote. Not counted in ClinVar's aggregate classification.
ClinVar note: Reason: Outlier claim with insufficient supporting evidence

Literature cited by the submitters: PubMed 29467202 (cited by 3 submitters).